The following is an entry in ClinVar:

NM_052989.3(IFT122):c.1044C>A (p.Tyr348Ter)

Gene: IFT122 (intraflagellar transport 122; plus strand). Cytogenetic location: 3q21.3.
Variant type: single nucleotide variant.
Coding change: c.1044C>A on transcript NM_052989.3 (MANE Select); coding-DNA position 1044, C replaced by A.
Protein change: p.Tyr348Ter; replaces tyrosine 348 with a stop codon.
Molecular consequence: nonsense.
Genome position (GRCh38, 1-based): chr3:129,476,698, C>A. VCF-style: chr3-129476698-C-A. GRCh37 (hg19) VCF-style: chr3-129195541-C-A.
Other names: c.1020C>A, p.Tyr340Ter (NM_001280541.2); c.594C>A, p.Tyr198Ter (NM_001280545.2); c.417C>A, p.Tyr139Ter (NM_001280546.2); c.1044C>A, p.Tyr348Ter (NM_001410808.1, NM_001410809.1); c.867C>A, p.Tyr289Ter (NM_001410810.1, NM_001410811.1, NM_001410813.1 and 1 more transcripts); c.711C>A, p.Tyr237Ter (NM_001410815.1, NM_001410817.1, NM_052990.3); c.1197C>A, p.Tyr399Ter (NM_052985.4); short protein forms Y139*, Y198*, Y237*, Y289*, Y340*, Y348*, Y399*.
Identifiers: ClinVar variation 3382118 (VCV003382118.2).
Genomic context (GRCh38, chr3:129,476,698, plus strand): 5'-AATTGACAGTTCTCTCACCCCGCAGGTGGTCGGCTGCCAGGACGGCACCATTTCCTTCTA[C>A]CAGCTTATTTTCAGCACAGTCCATGGGCTTTACAAGGACCGCTATGCCTACAGGGATAGC-3'

ClinVar aggregate classification (germline): Likely pathogenic (1 of 4 stars; one submission).

Conditions:
Cranioectodermal dysplasia 1 (CED1). Also called: LEVIN SYNDROME I. Identifiers: Orphanet 1515, MedGen C0432235, MONDO:0021093, OMIM 218330.

gnomAD v4.1: 2 of 1,614,212 alleles (0.00012%); highest among the groups gnomAD compares: East Asian, 0.0045%; no homozygotes.

Submission:

Juno Genomics, Hangzhou Juno Genomics, Inc
Classification: Likely pathogenic for Cranioectodermal dysplasia 1. Review status: criteria provided, single submitter. Criteria: ACMG Guidelines, 2015. Collection method: clinical testing. Allele origin: germline. Affected: yes.
Comment: Null variant in a gene where loss of function (LOF) is a known mechanism of disease.;Absent from controls (or at extremely low frequency if recessive) in Genome Aggregation Database, Exome Sequencing Project, 1000 Genomes Project, or Exome Aggregation Consortium.